The following is an entry in ClinVar:

ClinVar aggregate classification (germline): Uncertain significance (1 of 4 stars; one submission).

Allele frequency attached by ClinVar (database versions not stated): TOPMed below 0.00001; gnomAD 0.00001; gnomAD exomes 0.00001.
gnomAD v4.1: 3 of 1,355,204 alleles (0.00022%); highest among the groups gnomAD compares: Admixed American, 0.0051%; no homozygotes.

Submission:

Labcorp Genetics (formerly Invitae), Labcorp
Classification: Uncertain significance. Last evaluated: 2022-07-08. Review status: criteria provided, single submitter. Criteria: Invitae Variant Classification Sherloc (09022015). Collection method: clinical testing. Allele origin: germline.
Comment: In summary, the available evidence is currently insufficient to determine the role of this variant in disease. Therefore, it has been classified as a Variant of Uncertain Significance. Algorithms developed to predict the effect of missense changes on protein structure and function are either unavailable or do not agree on the potential impact of this missense change (SIFT: "Deleterious"; PolyPhen-2: "Not Available"; Align-GVGD: "Class C65"). This variant has not been reported in the literature in individuals affected with PTF1A-related conditions. The frequency data for this variant in the population databases is considered unreliable, as metrics indicate poor data quality at this position in the gnomAD database. This sequence change replaces aspartic acid, which is acidic and polar, with tyrosine, which is neutral and polar, at codon 222 of the PTF1A protein (p.Asp222Tyr).

NM_178161.3(PTF1A):c.664G>T (p.Asp222Tyr)

Gene: PTF1A (pancreas associated transcription factor 1a; plus strand). Cytogenetic location: 10p12.2.
Variant type: single nucleotide variant.
Coding change: c.664G>T on transcript NM_178161.3 (MANE Select); coding-DNA position 664, G replaced by T.
Protein change: p.Asp222Tyr; replaces aspartic acid 222 with tyrosine.
Molecular consequence: missense variant.
Genome position (GRCh38, 1-based): chr10:23,193,194, G>T. VCF-style: chr10-23193194-G-T. GRCh37 (hg19) VCF-style: chr10-23482123-G-T.
Other names: short protein forms D222Y.
Identifiers: ClinVar variation 2195573 (VCV002195573.4), dbSNP rs1456962322, ClinGen allele CA376263103.
Genomic context (GRCh38, chr10:23,193,194, plus strand): 5'-GTGGACACGCTGCGCCTGGCCATCGGCTACATCAACTTCCTCAGCGAGCTCGTGCAGGCC[G>T]ACCTGCCCTTGCGCGGCGGTGGCGCGGGCGGCTGCGGGGGGCCGGGCGGCGGCGGGCGCC-3'
Protein context (NP_835455.1, residues 212-232): INFLSELVQA[Asp222Tyr]LPLRGGGAGG